The following is an entry in ClinVar:

NM_002661.5(PLCG2):c.565-22del

Gene: PLCG2 (phospholipase C gamma 2; plus strand). Cytogenetic location: 16q23.3.
Variant type: Deletion.
Coding change: c.565-22del on transcript NM_002661.5 (MANE Select); 22 bases into the intron before coding-DNA position 565, one base deleted (G; older notation c.565-22delG).
Molecular consequence: intron variant.
Genome position (GRCh38, 1-based): chr16:81,870,830, G deleted; the last of 2 consecutive G bases (chr16:81,870,829-81,870,830); deleting either gives the same sequence. VCF-style (leftmost placement, unchanged base first): chr16-81870828-TG-T. GRCh37 (hg19) VCF-style: chr16-81904433-TG-T.
Identifiers: ClinVar variation 1327424 (VCV001327424.4), dbSNP rs34761601, ClinGen allele CA8193292.

ClinVar aggregate classification (germline): Benign. Review status: criteria provided, multiple submitters, no conflicts (2 of 4 stars). 3 submissions from 2 submitters: Benign (3). Last evaluated 2023-11-12.

Conditions:
Autoinflammation-PLCG2-associated antibody deficiency-immune dysregulation. Also called: Autoinflammation, antibody deficiency, and immune dysregulation syndrome; Autoinflammation, antibody deficiency, and immune dysregulation, plcg2-associated; AUTOINFLAMMATION, ANTIBODY DEFICIENCY, AND IMMUNE DYSREGULATION. Identifiers: Orphanet 324530, MedGen C3553961, MONDO:0013944, OMIM 614878.
Familial cold autoinflammatory syndrome 3 (FCAS3). Also called: FAMILIAL ATYPICAL COLD URTICARIA; ANTIBODY DEFICIENCY AND IMMUNE DYSREGULATION, PLCG2-ASSOCIATED. Identifiers: Orphanet 300359, MedGen C3280914, MONDO:0013766, OMIM 614468.

Submissions (3):

Unidad de Genómica Garrahan, Hospital de Pediatría Garrahan
Classification: Benign. Last evaluated: 2023-11-12. Review status: criteria provided, single submitter. Criteria: ACMG Guidelines, 2015. Collection method: clinical testing. Allele origin: germline. Affected: no. Observed: 68 variant alleles.
Comment: This variant is classified as Benign based on local population frequency. This variant was detected in 71% of patients studied by a panel of primary immunodeficiencies. Number of patients: 68. Only high quality variants are reported.

Genome-Nilou Lab
Classification: Benign for Autoinflammation-PLCG2-associated antibody deficiency-immune dysregulation. Last evaluated: 2021-10-25. Review status: criteria provided, single submitter. Criteria: ACMG Guidelines, 2015. Collection method: clinical testing. Allele origin: germline. Affected: no.

Genome-Nilou Lab
Classification: Benign for Familial cold autoinflammatory syndrome 3. Last evaluated: 2021-10-25. Review status: criteria provided, single submitter. Criteria: ACMG Guidelines, 2015. Collection method: clinical testing. Allele origin: germline. Affected: no.